The following is an entry in ClinVar:

ClinVar aggregate classification (germline): Uncertain significance (1 of 4 stars; one submission).

Conditions:
Azoospermia. Identifiers: MedGen C0004509, MeSH D053713, MONDO:0100459, HP:0000027, MONDO:0004983.

Submission:

Laboratorio De Citogenetica, Instituto De Assistencia Medica Ao Servidor Publico Do Estado De Sao Paulo
Classification: Uncertain significance for Azoospermia. Review status: criteria provided, single submitter. Criteria: ACMG/ClinGen CNV Guidelines, 2019. Collection method: research. Allele origin: unknown. Affected: yes.
Comment: The method used was Multiplex Ligation-dependent Probe Amplification (MLPA). CDY2B probe variation (that includes CDY2B and NLGN4Y genes) is classified as variant of uncertain significance for impaired spermatogenesis, due to lack of information associated with the region of the variant.

GRCh38/hg38 Yq11.221-11.222(chrY:17454742-17459891)

Genes: CDY2B (chromodomain Y-linked 2B; minus strand), FAM224B (family with sequence similarity 224 member B; minus strand), FAM41AY1 (family with sequence similarity 41 member A, Y-linked 1; plus strand), NLGN4Y (neuroligin 4 Y-linked; plus strand), NLGN4Y-AS1 (NLGN4Y antisense RNA 1; minus strand) and 2 more. Cytogenetic location: Yq11.221-11.222.
Variant type: copy number gain.
Identifiers: ClinVar variation 2584547 (VCV002584547.2).